The following is an entry in ClinVar:

ClinVar aggregate classification (germline): Likely pathogenic (1 of 4 stars; one submission).

Submission:

Dasa
Classification: Likely pathogenic. Last evaluated: 2025-08-21. Review status: criteria provided, single submitter. Criteria: DASA Assertion Criteria. Collection method: clinical testing. Allele origin: germline.
Comment: NM_018116.4(MSTO1):c.549C>A (p.Tyr183*) is a nonsense variant in MSTO1 predicted to introduce a premature termination codon and is predicted to result in an absent or altered protein product. Loss of function is an established disease mechanism for MSTO1-associated disorders. Also, this variant is rare in population databases. Based on the currently available evidence, this variant is classified as likely pathogenic.

NM_018116.4(MSTO1):c.549C>A (p.Tyr183Ter)

Gene: MSTO1 (misato mitochondrial distribution and morphology regulator 1; plus strand). Cytogenetic location: 1q22.
Variant type: single nucleotide variant.
Coding change: c.549C>A on transcript NM_018116.4 (MANE Select); coding-DNA position 549, C replaced by A.
Protein change: p.Tyr183Ter; replaces tyrosine 183 with a stop codon.
Molecular consequence: nonsense. On other transcripts: non-coding transcript variant (6), 5 prime UTR variant (7).
Genome position (GRCh38, 1-based): chr1:155,611,816, C>A. VCF-style: chr1-155611816-C-A. GRCh37 (hg19) VCF-style: chr1-155581607-C-A.
Other names: c.549C>A, p.Tyr183Ter (NM_001256532.1, NM_001256533.1, NM_001350772.1 and 3 more transcripts); c.384C>A, p.Tyr128Ter (NM_001350776.1); c.-8C>A (NM_001350777.1, NM_001350778.1, NM_001350779.1); c.15C>A, p.Tyr5Ter (NM_001350780.1, NM_001350781.1, NM_001350782.1 and 3 more transcripts); c.-57C>A (NM_001350784.1, NM_001350785.1, NM_001350787.1 and 1 more transcripts); short protein forms Y128*, Y183*, Y5*.
Identifiers: ClinVar variation 4885228 (VCV004885228.2).
Genomic context (GRCh38, chr1:155,611,816, plus strand): 5'-CTGGTCAGACTTCCTCAGAGTCCATCTCCATCCCCGGAGCATCTGTATGATTCAGAAGTA[C>A]AACCACGATGGGTATGGGGACCCCAGAGGCTTTGAGGCAAGAAACATGGGTCCCCACCAA-3'